The following is an entry in ClinVar:

ClinVar aggregate classification (germline): Uncertain significance (1 of 4 stars; one submission).

gnomAD v4.1: 1 of 1,613,126 alleles (0.000062%); highest among the groups gnomAD compares: Non-Finnish European, 0.000085%; no homozygotes.

Submission:

Labcorp Genetics (formerly Invitae), Labcorp
Classification: Uncertain significance. Last evaluated: 2024-05-09. Review status: criteria provided, single submitter. Criteria: Invitae Variant Classification Sherloc (09022015). Collection method: clinical testing. Allele origin: germline.
Comment: This sequence change falls in intron 17 of the ADGRA3 gene. It does not directly change the encoded amino acid sequence of the ADGRA3 protein. It affects a nucleotide within the consensus splice site. This variant is not present in population databases (gnomAD no frequency). This variant has not been reported in the literature in individuals affected with ADGRA3-related conditions. Variants that disrupt the consensus splice site are a relatively common cause of aberrant splicing (PMID: 17576681, 9536098). Algorithms developed to predict the effect of sequence changes on RNA splicing suggest that this variant is not likely to affect RNA splicing. In summary, the available evidence is currently insufficient to determine the role of this variant in disease. Therefore, it has been classified as a Variant of Uncertain Significance.

Literature cited by the submitters: PubMed 17576681; PubMed 9536098.

NM_145290.4(ADGRA3):c.2627+4T>C

Gene: ADGRA3 (adhesion G protein-coupled receptor A3; minus strand). Cytogenetic location: 4p15.2.
Variant type: single nucleotide variant.
Coding change: c.2627+4T>C on transcript NM_145290.4 (MANE Select); 4 bases into the intron after coding-DNA position 2627, T replaced by C.
Molecular consequence: intron variant.
Genome position (GRCh38, 1-based): chr4:22,392,541, A>G on the plus strand (T>C on the coding strand, the complement: ADGRA3 is on the minus strand). VCF-style: chr4-22392541-A-G. GRCh37 (hg19) VCF-style: chr4-22394164-A-G.
Identifiers: ClinVar variation 3701734 (VCV003701734.2).
Genomic context (GRCh38, chr4:22,392,541, plus strand): 5'-TAATTTATGATTATGCTTCAATGAAAGCAAACAAAACAATTAATACAACAAAGATATGAG[A>G]TACCTGAGCATTGGTCTTGGTGGAGGTGGTGGTTCATCAGGATCCTGGCATCTTTTAGCT-3'